The following is an entry in ClinVar:

NM_001009999.3(KDM1A):c.2576C>T (p.Thr859Met)

Gene: KDM1A (lysine demethylase 1A; plus strand). Cytogenetic location: 1p36.12.
Variant type: single nucleotide variant.
Coding change: c.2576C>T on transcript NM_001009999.3 (MANE Select); coding-DNA position 2576, C replaced by T.
Protein change: p.Thr859Met; replaces threonine 859 with methionine.
Molecular consequence: missense variant.
Genome position (GRCh38, 1-based): chr1:23,083,309, C>T. VCF-style: chr1-23083309-C-T. GRCh37 (hg19) VCF-style: chr1-23409802-C-T.
Other names: c.2522C>T, p.Thr841Met (NM_001363654.2); c.2582C>T, p.Thr861Met (NM_001410762.1); c.*824C>T (NM_001410763.1); c.2504C>T, p.Thr835Met (NM_015013.4); c.2576C>T (NM_001009999.2); short protein forms T861M, T835M, T841M, T859M.
Identifiers: ClinVar variation 2089814 (VCV002089814.5), dbSNP rs917558475, ClinGen allele CA19218088.

ClinVar aggregate classification (germline): Uncertain significance. Review status: criteria provided, multiple submitters, no conflicts (2 of 4 stars). 2 submissions from 2 submitters: Uncertain significance (2). Last evaluated 2025-01-16.

Conditions:
Inborn genetic diseases. Identifiers: MedGen C0950123, MeSH D030342.

Allele frequency attached by ClinVar (database versions not stated): gnomAD 0.00001.
gnomAD v4.1: 13 of 1,613,704 alleles (0.00081%); highest among the groups gnomAD compares: African/African-American, 0.0027%; no homozygotes.

Submissions (2):

Ambry Genetics
Classification: Uncertain significance for Inborn genetic diseases. Last evaluated: 2025-01-16. Review status: criteria provided, single submitter. Criteria: Ambry Variant Classification Scheme 2023. Collection method: clinical testing. Allele origin: germline.
Comment: The p.T859M variant (also known as c.2576C>T), located in coding exon 21 of the KDM1A gene, results from a C to T substitution at nucleotide position 2576. The threonine at codon 859 is replaced by methionine, an amino acid with similar properties. This amino acid position is conserved. In addition, this alteration is predicted to be tolerated by in silico analysis. Based on the available evidence, the clinical significance of this variant remains unclear.

Labcorp Genetics (formerly Invitae), Labcorp
Classification: Uncertain significance. Last evaluated: 2022-07-16. Review status: criteria provided, single submitter. Criteria: Invitae Variant Classification Sherloc (09022015). Collection method: clinical testing. Allele origin: germline.
Comment: This sequence change replaces threonine, which is neutral and polar, with methionine, which is neutral and non-polar, at codon 859 of the KDM1A protein (p.Thr859Met). This variant is present in population databases (no rsID available, gnomAD 0.0009%). This variant has not been reported in the literature in individuals affected with KDM1A-related conditions. Algorithms developed to predict the effect of missense changes on protein structure and function are either unavailable or do not agree on the potential impact of this missense change (SIFT: "Deleterious"; PolyPhen-2: "Benign"; Align-GVGD: "Class C0"). In summary, the available evidence is currently insufficient to determine the role of this variant in disease. Therefore, it has been classified as a Variant of Uncertain Significance.